The following is an entry in ClinVar:

ClinVar aggregate classification (germline): Uncertain significance. Review status: criteria provided, multiple submitters, no conflicts (2 of 4 stars). 2 submissions from 2 submitters: Uncertain significance (2). Last evaluated 2023-03-01.

Allele frequency attached by ClinVar (database versions not stated): gnomAD exomes 0.00003; ExAC 0.00005; gnomAD 0.00006; TOPMed 0.00006; ESP Exome Variant Server 0.00015.
gnomAD v4.1: 55 of 1,613,190 alleles (0.0034%); highest among the groups gnomAD compares: Non-Finnish European, 0.0042%; no homozygotes.

Submissions (2):

Ambry Genetics
Classification: Uncertain significance. Last evaluated: 2023-03-01. Review status: criteria provided, single submitter. Criteria: Ambry Variant Classification Scheme 2023. Collection method: clinical testing. Allele origin: germline.

Labcorp Genetics (formerly Invitae), Labcorp
Classification: Uncertain significance. Last evaluated: 2022-04-12. Review status: criteria provided, single submitter. Criteria: Invitae Variant Classification Sherloc (09022015). Collection method: clinical testing. Allele origin: germline.
Comment: In summary, the available evidence is currently insufficient to determine the role of this variant in disease. Therefore, it has been classified as a Variant of Uncertain Significance. Algorithms developed to predict the effect of missense changes on protein structure and function (SIFT, PolyPhen-2, Align-GVGD) all suggest that this variant is likely to be tolerated. This variant has not been reported in the literature in individuals affected with BICC1-related conditions. This variant is present in population databases (rs200020365, gnomAD 0.02%). This sequence change replaces glutamine, which is neutral and polar, with arginine, which is basic and polar, at codon 486 of the BICC1 protein (p.Gln486Arg).

NM_001080512.3(BICC1):c.1457A>G (p.Gln486Arg)

Gene: BICC1 (BicC family RNA binding protein 1; plus strand). Cytogenetic location: 10q21.1.
Variant type: single nucleotide variant.
Coding change: c.1457A>G on transcript NM_001080512.3 (MANE Select); coding-DNA position 1457, A replaced by G.
Protein change: p.Gln486Arg; replaces glutamine 486 with arginine.
Molecular consequence: missense variant.
Genome position (GRCh38, 1-based): chr10:58,798,489, A>G. VCF-style: chr10-58798489-A-G. GRCh37 (hg19) VCF-style: chr10-60558249-A-G.
Other names: c.1457A>G (NM_001080512.1); short protein forms Q486R.
Identifiers: ClinVar variation 2149833 (VCV002149833.6), dbSNP rs200020365, ClinGen allele CA5508512.